The following is an entry in ClinVar:

NM_004260.4(RECQL4):c.449C>A (p.Ser150Tyr)

Gene: RECQL4 (RecQ like helicase 4; minus strand). Cytogenetic location: 8q24.3.
Variant type: single nucleotide variant.
Coding change: c.449C>A on transcript NM_004260.4 (MANE Select); coding-DNA position 449, C replaced by A.
Protein change: p.Ser150Tyr; replaces serine 150 with tyrosine.
Molecular consequence: missense variant.
Genome position (GRCh38, 1-based): chr8:144,516,670, G>T on the plus strand (C>A on the coding strand, the complement: RECQL4 is on the minus strand). VCF-style: chr8-144516670-G-T. GRCh37 (hg19) VCF-style: chr8-145742054-G-T.
Other names: short protein forms S150Y.
Identifiers: ClinVar variation 1466001 (VCV001466001.6), dbSNP rs748466411, ClinGen allele CA372691448.

ClinVar aggregate classification (germline): Uncertain significance (1 of 4 stars; one submission).

Conditions:
Baller-Gerold syndrome (BGS). Also called: CRANIOSYNOSTOSIS WITH RADIAL DEFECTS. Identifiers: Orphanet 1225, MedGen C0265308, MONDO:0009039, OMIM 218600.

Submission:

Labcorp Genetics (formerly Invitae), Labcorp
Classification: Uncertain significance for Baller-Gerold syndrome. Last evaluated: 2021-06-13. Review status: criteria provided, single submitter. Criteria: Invitae Variant Classification Sherloc (09022015). Collection method: clinical testing. Allele origin: germline.
Comment: This variant is not present in population databases (ExAC no frequency). This sequence change replaces serine with tyrosine at codon 150 of the RECQL4 protein (p.Ser150Tyr). The serine residue is weakly conserved and there is a large physicochemical difference between serine and tyrosine. This variant has not been reported in the literature in individuals with RECQL4-related conditions. In summary, the available evidence is currently insufficient to determine the role of this variant in disease. Therefore, it has been classified as a Variant of Uncertain Significance. Experimental studies and prediction algorithms are not available or were not evaluated, and the functional significance of this variant is currently unknown.